The following is an entry in ClinVar:

NM_000138.5(FBN1):c.5330G>A (p.Cys1777Tyr)

Gene: FBN1 (fibrillin 1; minus strand). Cytogenetic location: 15q21.1.
Variant type: single nucleotide variant.
Coding change: c.5330G>A on transcript NM_000138.5 (MANE Select); coding-DNA position 5330, G replaced by A.
Protein change: p.Cys1777Tyr; replaces cysteine 1777 with tyrosine.
Molecular consequence: missense variant.
Genome position (GRCh38, 1-based): chr15:48,456,729, C>T on the plus strand (G>A on the coding strand, the complement: FBN1 is on the minus strand). VCF-style: chr15-48456729-C-T. GRCh37 (hg19) VCF-style: chr15-48748926-C-T.
Other names: short protein forms C1777Y.
Identifiers: ClinVar variation 406341 (VCV000406341.51), dbSNP rs1060501069, ClinGen allele CA16614417.

ClinVar aggregate classification (germline): Pathogenic/Likely pathogenic. Review status: criteria provided, multiple submitters, no conflicts (2 of 4 stars). 4 submissions from 4 submitters: Pathogenic (1); Likely pathogenic (2). 1 of the submissions does not count toward it. Last evaluated 2022-05-20.

Conditions:
Familial thoracic aortic aneurysm and aortic dissection (TAAD). Also called: Thoracic aortic aneurysms and dissections. Identifiers: Orphanet 91387, MedGen C4707243, MONDO:0019625.
Marfan syndrome (MFS). Also called: Marfan syndrome type 1; Marfan's syndrome; FBN1-Related Marfan Syndrome; MARFAN SYNDROME, TYPE I; Marfan syndrome, classic. Identifiers: Orphanet 284963, Orphanet 558, MedGen C0024796, MONDO:0007947, OMIM 154700.
FBN1-related disorder. Also called: FBN1-related disorders.

Submissions (4):

Blueprint Genetics
Classification: Pathogenic for FBN1-related disorders. Last evaluated: 2022-05-20. Review status: criteria provided, single submitter. Criteria: ACMG Guidelines, 2015. Collection method: clinical testing. Allele origin: germline. Affected: yes. Observed: 1 variant allele.

CeGaT Center for Human Genetics Tuebingen
Classification: Likely pathogenic. Last evaluated: 2017-08-01. Review status: criteria provided, single submitter. Criteria: CeGaT Center For Human Genetics Tuebingen Variant Classification Criteria Version 2. Collection method: clinical testing. Allele origin: germline. Affected: yes. Observed: 1 variant allele.

Labcorp Genetics (formerly Invitae), Labcorp
Classification: Likely pathogenic for Marfan syndrome; Familial thoracic aortic aneurysm and aortic dissection. Last evaluated: 2016-10-31. Review status: criteria provided, single submitter. Criteria: Invitae Variant Classification Sherloc (09022015). Collection method: clinical testing. Allele origin: germline.
Comment: This sequence change replaces cysteine with tyrosine at codon 1777 of the FBN1 protein (p.Cys1777Tyr). The cysteine residue is highly conserved and there is a large physicochemical difference between cysteine and tyrosine. This variant is not present in population databases (ExAC no frequency) and has not been reported in the literature in individuals with a FBN1-related disease. This variant affects a cysteine residue located within an epidermal-growth-factor (EGF)–like domain of the FBN1 protein. Cysteine residues in these domains have been shown to be involved in the formation of disulfide bridges, which are critical for FBN1 protein structure and stability (PMID: 10486319, 3495735, 4750422, 16677079). In addition, missense substitutions within the FBN1 EGF-like domains affecting cysteine residues are significantly overrepresented among patients with Marfan syndrome (PMID: 16571647, 17701892). In summary, this variant is a novel missense change affecting a residue crucial for protein stability and function. Although additional genetic data will be necessary to further confirm pathogenicity for this variant, cysteine substitutions located in FBN1 EGF-like domains are likely deleterious. For these reasons, this variant has been classified as Likely Pathogenic.

Center for Medical Genetics Ghent, University of Ghent
Classification: Pathogenic for Marfan syndrome. Last evaluated: 2017-11-07. Review status: no assertion criteria provided. Collection method: clinical testing. Allele origin: germline. Affected: yes. Not counted in ClinVar's aggregate classification.

Literature cited by the submitters: PubMed 10486319 (cited by Labcorp Genetics (formerly Invitae), Labcorp); PubMed 3495735 (cited by Labcorp Genetics (formerly Invitae), Labcorp); PubMed 4750422 (cited by Labcorp Genetics (formerly Invitae), Labcorp); PubMed 16677079 (cited by Labcorp Genetics (formerly Invitae), Labcorp); PubMed 16571647 (cited by Labcorp Genetics (formerly Invitae), Labcorp); PubMed 17701892 (cited by Labcorp Genetics (formerly Invitae), Labcorp).